The following is an entry in ClinVar:

ClinVar aggregate classification (germline): Uncertain significance (1 of 4 stars; one submission).

Conditions:
Epilepsy, progressive myoclonic, 1B. Also called: PME. Identifiers: Orphanet 308, MedGen C2676254, MONDO:0012904, OMIM 612437.

gnomAD v4.1: 1 of 1,614,008 alleles (0.000062%); highest among the groups gnomAD compares: African/African-American, 0.0013%; no homozygotes.

Submission:

Labcorp Genetics (formerly Invitae), Labcorp
Classification: Uncertain significance for Epilepsy, progressive myoclonic, 1B. Last evaluated: 2020-09-25. Review status: criteria provided, single submitter. Criteria: Invitae Variant Classification Sherloc (09022015). Collection method: clinical testing. Allele origin: germline.
Comment: In summary, the available evidence is currently insufficient to determine the role of this variant in disease. Therefore, it has been classified as a Variant of Uncertain Significance. Algorithms developed to predict the effect of missense changes on protein structure and function are either unavailable or do not agree on the potential impact of this missense change (SIFT: "Deleterious"; PolyPhen-2: "Possibly Damaging"; Align-GVGD: "Class C0"). This variant has not been reported in the literature in individuals with PRICKLE1-related conditions. This variant is present in population databases (rs150809651, ExAC 0.001%). This sequence change replaces lysine with asparagine at codon 623 of the PRICKLE1 protein (p.Lys623Asn). The lysine residue is highly conserved and there is a moderate physicochemical difference between lysine and asparagine.

NM_153026.3(PRICKLE1):c.1869G>C (p.Lys623Asn)

Gene: PRICKLE1 (prickle planar cell polarity protein 1; minus strand). Cytogenetic location: 12q12.
Variant type: single nucleotide variant.
Coding change: c.1869G>C on transcript NM_153026.3 (MANE Select); coding-DNA position 1869, G replaced by C.
Protein change: p.Lys623Asn; replaces lysine 623 with asparagine.
Molecular consequence: missense variant.
Genome position (GRCh38, 1-based): chr12:42,460,436, C>G on the plus strand (G>C on the coding strand, the complement: PRICKLE1 is on the minus strand). VCF-style: chr12-42460436-C-G. GRCh37 (hg19) VCF-style: chr12-42854238-C-G.
Other names: c.1869G>C, p.Lys623Asn (NM_001144881.2, NM_001144882.2, NM_001144883.2); short protein forms K623N.
Identifiers: ClinVar variation 1023716 (VCV001023716.6), dbSNP rs150809651, ClinGen allele CA6519682.
Genomic context (GRCh38, chr12:42,460,436, plus strand): 5'-ATAGTTCCCATTGTCAATGACATCATCAGAAAACTTGACCTGCTGGGGTCTGGATTGAGA[C>G]TTGGACCTTCTGAGCACTGGCAGATGTACTGGCTTCTCTTCAGGCAGGATTTTCTCTGGA-3'
Protein context (NP_694571.2, residues 613-633): PVHLPVLRRS[Lys623Asn]SQSRPQQVKF